The following is an entry in ClinVar:

NM_177924.5(ASAH1):c.648+5G>C

Gene: ASAH1 (N-acylsphingosine amidohydrolase 1; minus strand). Cytogenetic location: 8p22.
Variant type: single nucleotide variant.
Coding change: c.648+5G>C on transcript NM_177924.5 (MANE Select); 5 bases into the intron after coding-DNA position 648, G replaced by C.
Molecular consequence: intron variant.
Genome position (GRCh38, 1-based): chr8:18,062,274, C>G on the plus strand (G>C on the coding strand, the complement: ASAH1 is on the minus strand). VCF-style: chr8-18062274-C-G. GRCh37 (hg19) VCF-style: chr8-17919783-C-G.
Other names: c.696+5G>C (NM_004315.6); c.630+5G>C (NM_001127505.3); c.453+5G>C (NM_001363743.2).
Identifiers: ClinVar variation 909346 (VCV000909346.8), dbSNP rs1799735312, ClinGen allele CA1139660390.
Genomic context (GRCh38, chr8:18,062,274, plus strand): 5'-ACTTTTACATAACGGTAACAGGACAGAAGGCTACCTGTATAATTATGTAACAACAGACTC[C>G]TTACTGGTTTGAATCCTGTTAACATGCCCACATAGCCAGCAAAGCTTGAAGCCTTGAAGA-3'

ClinVar aggregate classification (germline): Conflicting classifications of pathogenicity. Review status: criteria provided, conflicting classifications (1 of 4 stars). 3 submissions from 3 submitters: Likely pathogenic (1); Uncertain significance (2). Last evaluated 2025-09-10.

Conditions:
Farber lipogranulomatosis (FRBRL). Also called: Farber's lipogranulomatosis; AC DEFICIENCY; ACID CERAMIDASE DEFICIENCY; CERAMIDASE DEFICIENCY; N-LAURYLSPHINGOSINE DEACYLASE DEFICIENCY; Farber's disease. Identifiers: Orphanet 333, MedGen C0268255, MONDO:0009218, OMIM 228000.

Allele frequency attached by ClinVar (database versions not stated): gnomAD exomes below 0.00001.
gnomAD v4.1: 4 of 1,614,152 alleles (0.00025%); highest among the groups gnomAD compares: Non-Finnish European, 0.00034%; no homozygotes.

Submissions (3):

Genomic Medicine Center of Excellence, King Faisal Specialist Hospital and Research Centre
Classification: Likely pathogenic for Farber lipogranulomatosis. Last evaluated: 2025-09-10. Review status: criteria provided, single submitter. Criteria: ACMG Guidelines, 2015. Collection method: clinical testing. Allele origin: germline.

Labcorp Genetics (formerly Invitae), Labcorp
Classification: Uncertain significance. Last evaluated: 2022-07-06. Review status: criteria provided, single submitter. Criteria: Invitae Variant Classification Sherloc (09022015). Collection method: clinical testing. Allele origin: germline.
Comment: This sequence change falls in intron 8 of the ASAH1 gene. It does not directly change the encoded amino acid sequence of the ASAH1 protein. It affects a nucleotide within the consensus splice site. This variant is not present in population databases (gnomAD no frequency). This variant has been observed in individual(s) with clinical features of ASAH1-related conditions (Invitae). ClinVar contains an entry for this variant (Variation ID: 909346). Variants that disrupt the consensus splice site are a relatively common cause of aberrant splicing (PMID: 17576681, 9536098). Algorithms developed to predict the effect of sequence changes on RNA splicing suggest that this variant may disrupt the consensus splice site. In summary, the available evidence is currently insufficient to determine the role of this variant in disease. Therefore, it has been classified as a Variant of Uncertain Significance.

Illumina Laboratory Services, Illumina
Classification: Uncertain significance for Farber lipogranulomatosis. Last evaluated: 2018-01-12. Review status: criteria provided, single submitter. Criteria: ICSL Variant Classification Criteria 13 December 2019. Collection method: clinical testing. Allele origin: germline.

Literature cited by the submitters: PubMed 17576681 (cited by Labcorp Genetics (formerly Invitae), Labcorp); PubMed 9536098 (cited by Labcorp Genetics (formerly Invitae), Labcorp).